The following is an entry in ClinVar:

NM_000057.4(BLM):c.3604A>G (p.Lys1202Glu)

Gene: BLM (BLM RecQ like helicase; plus strand). Cytogenetic location: 15q26.1.
Variant type: single nucleotide variant.
Coding change: c.3604A>G on transcript NM_000057.4 (MANE Select); coding-DNA position 3604, A replaced by G.
Protein change: p.Lys1202Glu; replaces lysine 1202 with glutamic acid.
Molecular consequence: missense variant. On other transcripts: intron variant (1).
Genome position (GRCh38, 1-based): chr15:90,804,212, A>G. VCF-style: chr15-90804212-A-G. GRCh37 (hg19) VCF-style: chr15-91347442-A-G.
Other names: c.3604A>G, p.Lys1202Glu (NM_001287246.2); c.2479A>G, p.Lys827Glu (NM_001287248.2); c.3359-4925A>G (NM_001287247.2); short protein forms K1202E, K827E.
Identifiers: ClinVar variation 1017180 (VCV001017180.7), dbSNP rs1897233454, ClinGen allele CA393847983.

ClinVar aggregate classification (germline): Uncertain significance (1 of 4 stars; one submission).

Conditions:
Bloom syndrome (BLM). Also called: Bloom-Torre-Machacek syndrome. Identifiers: Orphanet 125, MedGen C0005859, MONDO:0008876, OMIM 210900.

Submission:

Labcorp Genetics (formerly Invitae), Labcorp
Classification: Uncertain significance for Bloom syndrome. Last evaluated: 2021-12-13. Review status: criteria provided, single submitter. Criteria: Invitae Variant Classification Sherloc (09022015). Collection method: clinical testing. Allele origin: germline.
Comment: In summary, the available evidence is currently insufficient to determine the role of this variant in disease. Therefore, it has been classified as a Variant of Uncertain Significance. Algorithms developed to predict the effect of missense changes on protein structure and function are either unavailable or do not agree on the potential impact of this missense change (SIFT: "Tolerated"; PolyPhen-2: "Possibly Damaging"; Align-GVGD: "Class C0"). ClinVar contains an entry for this variant (Variation ID: 1017180). This variant has not been reported in the literature in individuals affected with BLM-related conditions. This variant is not present in population databases (gnomAD no frequency). This sequence change replaces lysine, which is basic and polar, with glutamic acid, which is acidic and polar, at codon 1202 of the BLM protein (p.Lys1202Glu).